The following is an entry in ClinVar:

NC_000019.9:g.(?_1218406)_(1226646_?)dup

Gene: STK11 (serine/threonine kinase 11; plus strand). Cytogenetic location: 19p13.3.
Variant type: Duplication.
Identifiers: ClinVar variation 3248415 (VCV003248415.1).

ClinVar aggregate classification (germline): Uncertain significance (1 of 4 stars; one submission).

Conditions:
Peutz-Jeghers syndrome (PJS). Also called: POLYPOSIS, HAMARTOMATOUS INTESTINAL; POLYPS-AND-SPOTS SYNDROME; Peutz-Jeghers polyposis; Periorificial lentiginosis syndrome. Identifiers: Orphanet 2869, MedGen C0031269, MeSH D010580, MONDO:0008280, OMIM 175200.

Submission:

Labcorp Genetics (formerly Invitae), Labcorp
Classification: Uncertain significance for Peutz-Jeghers syndrome. Last evaluated: 2023-04-24. Review status: criteria provided, single submitter. Criteria: Invitae Variant Classification Sherloc (09022015). Collection method: clinical testing. Allele origin: unknown.
Comment: In summary, the available evidence is currently insufficient to determine the role of this variant in disease. Therefore, it has been classified as a Variant of Uncertain Significance. Experimental studies and prediction algorithms are not available or were not evaluated, and the functional significance of this variant is currently unknown. This variant has not been reported in the literature in individuals affected with STK11-related conditions. This variant results in a copy number gain of the genomic region encompassing exon(s) 2-9 of the STK11 gene. This region includes the termination codon of the gene. This copy number gain extends beyond the assayed region for this gene and therefore may encompass additional genes. As the precise location of this event is unknown, it may be in tandem or it may be located elsewhere in the genome.